The following is an entry in ClinVar:

ClinVar aggregate classification (germline): Uncertain significance (1 of 4 stars; one submission).

Submission:

Women's Health and Genetics/Laboratory Corporation of America, LabCorp
Classification: Uncertain significance. Last evaluated: 2025-05-20. Review status: criteria provided, single submitter. Criteria: LabCorp Variant Classification Summary - May 2015. Collection method: clinical testing. Allele origin: germline.
Comment: Variant summary: PYCR1 c.10G>A (p.Gly4Ser) results in a non-conservative amino acid change in the encoded protein sequence. Algorithms developed to predict the effect of missense changes on protein structure and function are either unavailable or do not agree on the potential impact of this missense change. The frequency data for this variant in gnomAD is considered unreliable, as metrics indicate poor data quality at this position. To our knowledge, no occurrence of c.10G>A in individuals affected with Cutis Laxa - PYCR1 Related and no experimental evidence demonstrating its impact on protein function have been reported. No submitters have cited clinical-significance assessments for this variant to ClinVar. Based on the evidence outlined above, the variant was classified as uncertain significance.

NM_006907.4(PYCR1):c.10G>A (p.Gly4Ser)

Gene: PYCR1 (pyrroline-5-carboxylate reductase 1; minus strand). Cytogenetic location: 17q25.3.
Variant type: single nucleotide variant.
Coding change: c.10G>A on transcript NM_006907.4 (MANE Select); coding-DNA position 10, G replaced by A.
Protein change: p.Gly4Ser; replaces glycine 4 with serine.
Molecular consequence: missense variant.
Genome position (GRCh38, 1-based): chr17:81,936,805, C>T on the plus strand (G>A on the coding strand, the complement: PYCR1 is on the minus strand). VCF-style: chr17-81936805-C-T. GRCh37 (hg19) VCF-style: chr17-79894681-C-T.
Other names: c.10G>A, p.Gly4Ser (NM_001282279.2, NM_001282280.2, NM_001330523.2 and 1 more transcripts); c.91G>A, p.Gly31Ser (NM_001282281.2); short protein forms G31S, G4S.
Identifiers: ClinVar variation 3902126 (VCV003902126.1).
Genomic context (GRCh38, chr17:81,936,805, plus strand): 5'-TACCTGCTGCTGTGAAGCCCTTGGCCAGGGCAAAAGCCAGCTGGCCAGCGCCGATGAAGC[C>T]CACGCTCATGCTGTCCGGAGACCCCTGGCCCAAAGCCCCCACAGATGGCACCGGCTCTGC-3'
Protein context (NP_008838.2, residues 1-14): MSV[Gly4Ser]FIGAGQLAFA